The following is an entry in ClinVar:

ClinVar aggregate classification (germline): Uncertain significance. Review status: criteria provided, multiple submitters, no conflicts (2 of 4 stars). 2 submissions from 2 submitters: Uncertain significance (2). Last evaluated 2026-08-16.

Conditions:
Neurofibromatosis, type 1 (NF1). Also called: NEUROFIBROMATOSIS, TYPE I, SOMATIC; Peripheral type neurofibromatosis; VON RECKLINGHAUSEN DISEASE; Neurofibromatosis, type I. Identifiers: Orphanet 636, MedGen C0027831, MONDO:0018975, OMIM 162200. Disease mechanism: loss of function.
Hereditary cancer-predisposing syndrome. Also called: Tumor predisposition; Hereditary Cancer Syndrome; Hereditary neoplastic syndrome; Neoplastic Syndromes, Hereditary. Identifiers: Orphanet 140162, MedGen C0027672, MeSH D009386, MONDO:0015356.
Cardiovascular phenotype. Identifiers: MedGen CN230736.

Submissions (2):

Ambry Genetics
Classification: Uncertain significance for Cardiovascular phenotype; Hereditary cancer-predisposing syndrome. Last evaluated: 2026-08-16. Review status: criteria provided, single submitter. Criteria: Ambry Variant Classification Scheme 2023. Collection method: clinical testing. Allele origin: germline.
Comment: The p.A2014P variant (also known as c.6040G>C), located in coding exon 40 of the NF1 gene, results from a G to C substitution at nucleotide position 6040. The alanine at codon 2014 is replaced by proline, an amino acid with highly similar properties. This amino acid position is conserved. In addition, this alteration is predicted to be deleterious by in silico analysis. Based on the available evidence, the clinical significance of this variant remains unclear.

Labcorp Genetics (formerly Invitae), Labcorp
Classification: Uncertain significance for Neurofibromatosis, type 1. Last evaluated: 2021-12-24. Review status: criteria provided, single submitter. Criteria: Invitae Variant Classification Sherloc (09022015). Collection method: clinical testing. Allele origin: germline.
Comment: This sequence change replaces alanine, which is neutral and non-polar, with proline, which is neutral and non-polar, at codon 2014 of the NF1 protein (p.Ala2014Pro). This variant is not present in population databases (gnomAD no frequency). This variant has not been reported in the literature in individuals affected with NF1-related conditions. Advanced modeling of protein sequence and biophysical properties (such as structural, functional, and spatial information, amino acid conservation, physicochemical variation, residue mobility, and thermodynamic stability) performed at Invitae indicates that this missense variant is expected to disrupt NF1 protein function. In summary, the available evidence is currently insufficient to determine the role of this variant in disease. Therefore, it has been classified as a Variant of Uncertain Significance.

NM_001042492.3(NF1):c.6103G>C (p.Ala2035Pro)

Gene: NF1 (neurofibromin 1; plus strand). Cytogenetic location: 17q11.2.
Variant type: single nucleotide variant.
Coding change: c.6103G>C on transcript NM_001042492.3 (MANE Select); coding-DNA position 6103, G replaced by C.
Protein change: p.Ala2035Pro; replaces alanine 2035 with proline.
Molecular consequence: missense variant.
Genome position (GRCh38, 1-based): chr17:31,336,429, G>C. VCF-style: chr17-31336429-G-C. GRCh37 (hg19) VCF-style: chr17-29663447-G-C.
Other names: c.6040G>C, p.Ala2014Pro (NM_000267.4); short protein forms A2035P, A2014P.
Identifiers: ClinVar variation 2056595 (VCV002056595.5), dbSNP rs2151553463, ClinGen allele CA399011367.